The following is an entry in ClinVar:

ClinVar aggregate classification (germline): Conflicting classifications of pathogenicity. Review status: criteria provided, conflicting classifications (1 of 4 stars). 2 submissions from 2 submitters: Uncertain significance (1); Likely benign (1). Last evaluated 2025-01-27.

Allele frequency attached by ClinVar (database versions not stated): ExAC 0.00031; TOPMed 0.00039; gnomAD 0.00044; gnomAD exomes 0.00066; ESP Exome Variant Server 0.00069.
gnomAD v4.1: 1,041 of 1,612,582 alleles (0.065%); highest among the groups gnomAD compares: Non-Finnish European, 0.082%; 1 homozygote.

Submissions (5):

Labcorp Genetics (formerly Invitae), Labcorp
Classification: Likely benign. Last evaluated: 2025-01-27. Review status: criteria provided, single submitter. Criteria: Invitae Variant Classification Sherloc (09022015). Collection method: clinical testing. Allele origin: germline.

CeGaT Center for Human Genetics Tuebingen
Classification: Uncertain significance. Last evaluated: 2023-04-01. Review status: criteria provided, single submitter. Criteria: CeGaT Center For Human Genetics Tuebingen Variant Classification Criteria Version 2. Collection method: clinical testing. Allele origin: germline. Affected: yes. Observed: 1 variant allele.
Comment: ABCD3: PM2, PP3

Dr. Peter K. Rogan Lab, Western University
No classification provided (evidence only). Condition: Clear cell carcinoma of kidney. Review status: no classification provided. Collection method: in vitro. Allele origin: not applicable. Functional consequence: skipped exon, retained intron. Not counted in ClinVar's aggregate classification.

Dr. Peter K. Rogan Lab, Western University
No classification provided (evidence only). Condition: Uterine corpus endometrial carcinoma. Review status: no classification provided. Collection method: in vitro. Allele origin: not applicable. Functional consequence: skipped exon. Not counted in ClinVar's aggregate classification.

Dr. Peter K. Rogan Lab, Western University
No classification provided (evidence only). Condition: Cervical cancer. Review status: no classification provided. Collection method: in vitro. Allele origin: not applicable. Functional consequence: retained intron. Not counted in ClinVar's aggregate classification.

NM_002858.4(ABCD3):c.122G>A (p.Gly41Glu)

Gene: ABCD3 (ATP binding cassette subfamily D member 3; plus strand). Cytogenetic location: 1p21.3.
Variant type: single nucleotide variant.
Coding change: c.122G>A on transcript NM_002858.4 (MANE Select); coding-DNA position 122, G replaced by A.
Protein change: p.Gly41Glu; replaces glycine 41 with glutamic acid.
Molecular consequence: missense variant.
Genome position (GRCh38, 1-based): chr1:94,458,618, G>A. VCF-style: chr1-94458618-G-A. GRCh37 (hg19) VCF-style: chr1-94924174-G-A.
Other names: c.122G>A, p.Gly41Glu (NM_001122674.2); short protein forms G41E.
Identifiers: ClinVar variation 2039463 (VCV002039463.32), dbSNP rs75418934, ClinGen allele CA960024.
Genomic context (GRCh38, chr1:94,458,618, plus strand): 5'-ACACTTTTCACATAAAGTAAAGCTCTCTCTCTCTTTTTTTCCTCTGCAGTAAGAAAAGTG[G>A]AAAACCACCATTACAGAACAATGAGGTAAAAGTTTAAATCATCTTCTTTTTGGGATTTCA-3'
Protein context (NP_002849.1, residues 31-51): RALGLHGKKS[Gly41Glu]KPPLQNNEKE